The following is an entry in ClinVar:

ClinVar aggregate classification (germline): Uncertain significance (1 of 4 stars; one submission).

Conditions:
Werner syndrome (WRN). Identifiers: Orphanet 902, MedGen C0043119, MONDO:0010196, OMIM 277700.

Submission:

Labcorp Genetics (formerly Invitae), Labcorp
Classification: Uncertain significance for Werner syndrome. Last evaluated: 2020-08-02. Review status: criteria provided, single submitter. Criteria: Invitae Variant Classification Sherloc (09022015). Collection method: clinical testing. Allele origin: germline.
Comment: In summary, the available evidence is currently insufficient to determine the role of this variant in disease. Therefore, it has been classified as a Variant of Uncertain Significance. Algorithms developed to predict the effect of missense changes on protein structure and function output the following: SIFT: "Not Available"; PolyPhen-2: "Benign"; Align-GVGD: "Not Available". The aspartic acid amino acid residue is found in multiple mammalian species, suggesting that this missense change does not adversely affect protein function. These predictions have not been confirmed by published functional studies and their clinical significance is uncertain. This variant has not been reported in the literature in individuals with WRN-related conditions. This variant is not present in population databases (ExAC no frequency). This sequence change replaces glycine with aspartic acid at codon 1358 of the WRN protein (p.Gly1358Asp). The glycine residue is weakly conserved and there is a moderate physicochemical difference between glycine and aspartic acid.

NM_000553.6(WRN):c.4073G>A (p.Gly1358Asp)

Gene: WRN (WRN RecQ like helicase; plus strand). Cytogenetic location: 8p12.
Variant type: single nucleotide variant.
Coding change: c.4073G>A on transcript NM_000553.6 (MANE Select); coding-DNA position 4073, G replaced by A.
Protein change: p.Gly1358Asp; replaces glycine 1358 with aspartic acid.
Molecular consequence: missense variant.
Genome position (GRCh38, 1-based): chr8:31,167,112, G>A. VCF-style: chr8-31167112-G-A. GRCh37 (hg19) VCF-style: chr8-31024628-G-A.
Other names: short protein forms G1358D.
Identifiers: ClinVar variation 1038701 (VCV001038701.3), dbSNP rs1465807315, ClinGen allele CA370909272.